The following is an entry in ClinVar:

NM_005850.5(SF3B4):c.1A>G (p.Met1Val)

Genes: SF3B4 (splicing factor 3b subunit 4; minus strand), LOC129931382 (ATAC-STARR-seq lymphoblastoid active region 1665; plus strand). Cytogenetic location: 1q21.2.
Variant type: single nucleotide variant.
Coding change: c.1A>G on transcript NM_005850.5 (MANE Select); coding-DNA position 1, A replaced by G.
Protein change: p.Met1Val; changes the start codon (methionine 1).
Molecular consequence: missense variant, initiator codon variant.
Genome position (GRCh38, 1-based): chr1:149,927,759, T>C on the plus strand (A>G on the coding strand, the complement: SF3B4 is on the minus strand). VCF-style: chr1-149927759-T-C. GRCh37 (hg19) VCF-style: chr1-149899651-T-C.
Other names: short protein forms M1V.
Identifiers: ClinVar variation 31650 (VCV000031650.6), dbSNP rs387907185, ClinGen allele CA129872.

ClinVar aggregate classification (germline): Pathogenic. Review status: criteria provided, single submitter (1 of 4 stars). 3 submissions from 3 submitters: Pathogenic (1). 2 of the submissions do not count toward it. Last evaluated 2022-09-23.

Conditions:
Nager syndrome (AFD1). Also called: Nager acrofacial dysostosis syndrome; MANDIBULOFACIAL DYSOSTOSIS, TREACHER COLLINS TYPE, WITH LIMB ANOMALIES; Acrofacial Dysostosis 1, Nager Type; Nager acrofacial dysostosis. Identifiers: Orphanet 245, MedGen C0265245, MONDO:0007943, OMIM 154400.

Submissions (3):

Labcorp Genetics (formerly Invitae), Labcorp
Classification: Pathogenic. Last evaluated: 2022-09-23. Review status: criteria provided, single submitter. Criteria: Invitae Variant Classification Sherloc (09022015). Collection method: clinical testing. Allele origin: germline.
Comment: This sequence change affects the initiator methionine of the SF3B4 mRNA. The next in-frame methionine is located at codon 44. This variant is not present in population databases (gnomAD no frequency). Disruption of the initiator codon has been observed in individual(s) with acrofacial dysostosis (PMID: 22541558, 24003905). In at least one individual the variant was observed to be de novo. ClinVar contains an entry for this variant (Variation ID: 31650). For these reasons, this variant has been classified as Pathogenic.

Clinical Genetics Research Group, University of Calgary
Classification: Pathogenic for Nager syndrome. Last evaluated: 2012-09-07. Review status: no assertion criteria provided. Collection method: research. Allele origin: inherited. Affected: yes. Not counted in ClinVar's aggregate classification.

OMIM
Classification: Pathogenic for ACROFACIAL DYSOSTOSIS 1, NAGER TYPE. Last evaluated: 2012-05-04. Review status: no assertion criteria provided. Collection method: literature only. Allele origin: germline. Not counted in ClinVar's aggregate classification.

Literature cited by the submitters: PubMed 22541558 (cited by 3 submitters); PubMed 24003905 (cited by Labcorp Genetics (formerly Invitae), Labcorp).